The following is an entry in ClinVar:

NM_000051.4(ATM):c.9060G>T (p.Val3020=)

Genes: C11orf65 (chromosome 11 open reading frame 65; minus strand), ATM (ATM serine/threonine kinase; plus strand). Cytogenetic location: 11q22.3.
Variant type: single nucleotide variant.
Coding change: c.9060G>T on transcript NM_000051.4 (MANE Select); coding-DNA position 9060, G replaced by T.
Protein change: p.Val3020=; no amino-acid change (valine 3020 retained).
Molecular consequence: synonymous variant. On other transcripts: intron variant (2).
Genome position (GRCh38, 1-based): chr11:108,365,397, G>T. VCF-style: chr11-108365397-G-T. GRCh37 (hg19) VCF-style: chr11-108236124-G-T.
Other names: c.9060G>T, p.Val3020= (NM_001351834.2); c.640+20523C>A (NM_001330368.2); c.694+20523C>A (NM_001351110.2).
Identifiers: ClinVar variation 220664 (VCV000220664.42), dbSNP rs864622625, ClinGen allele CA348586.

ClinVar aggregate classification (germline): Benign/Likely benign. Review status: criteria provided, multiple submitters, no conflicts (2 of 4 stars). 6 submissions from 6 submitters: Benign (1); Likely benign (5). Last evaluated 2025-07-21.

Conditions:
Hereditary cancer-predisposing syndrome. Also called: Neoplastic Syndromes, Hereditary; Hereditary neoplastic syndrome; Tumor predisposition; Hereditary Cancer Syndrome. Identifiers: Orphanet 140162, MedGen C0027672, MeSH D009386, MONDO:0015356.
Familial cancer of breast. Also called: hereditary breast carcinoma; Hereditary breast cancer; BREAST CANCER, FAMILIAL. Identifiers: Orphanet 227535, MedGen C0346153, MONDO:0016419, OMIM 114480. Disease mechanism: loss of function.
Ataxia-telangiectasia syndrome (AT). Also called: Ataxia telangiectasia (A-T); Cerebello-oculocutaneous telangiectasia; Immunodeficiency with ataxia telangiectasia; LOUIS-BAR SYNDROME; AT, COMPLEMENTATION GROUP C; ATAXIA-TELANGIECTASIA, FRESNO VARIANT. Identifiers: Orphanet 100, MedGen C0004135, MONDO:0008840, OMIM 208900.

Allele frequency attached by ClinVar (database versions not stated): gnomAD 0.00001; TOPMed 0.00002.
gnomAD v4.1: 5 of 1,614,084 alleles (0.00031%); highest among the groups gnomAD compares: Non-Finnish European, 0.00042%; no homozygotes.

Submissions (6):

Labcorp Genetics (formerly Invitae), Labcorp
Classification: Likely benign for Ataxia-telangiectasia syndrome. Last evaluated: 2025-07-21. Review status: criteria provided, single submitter. Criteria: Invitae Variant Classification Sherloc (09022015). Collection method: clinical testing. Allele origin: germline.

Myriad Genetics, Inc.
Classification: Benign for Familial cancer of breast. Last evaluated: 2024-06-24. Review status: criteria provided, single submitter. Criteria: Myriad Autosomal Dominant, Autosomal Recessive and X-Linked Classification Criteria (2023). Collection method: clinical testing. Allele origin: unknown.
Comment: This variant is considered benign. This variant is a silent/synonymous amino acid change and it is not expected to impact splicing.

CeGaT Center for Human Genetics Tuebingen
Classification: Likely benign. Last evaluated: 2022-06-01. Review status: criteria provided, single submitter. Criteria: CeGaT Center For Human Genetics Tuebingen Variant Classification Criteria Version 2. Collection method: clinical testing. Allele origin: germline. Affected: yes. Observed: 1 variant allele.
Comment: ATM: BP4, BP7

GeneDx
Classification: Likely benign. Last evaluated: 2017-10-07. Review status: criteria provided, single submitter. Criteria: GeneDx Variant Classification (06012015). Collection method: clinical testing. Allele origin: germline. Affected: yes.
Comment: This variant is considered likely benign or benign based on one or more of the following criteria: it is a conservative change, it occurs at a poorly conserved position in the protein, it is predicted to be benign by multiple in silico algorithms, and/or has population frequency not consistent with disease.

Color Diagnostics, LLC DBA Color Health
Classification: Likely benign for Hereditary cancer-predisposing syndrome. Last evaluated: 2017-07-05. Review status: criteria provided, single submitter. Criteria: ACMG Guidelines, 2015. Collection method: clinical testing. Allele origin: germline.

Ambry Genetics
Classification: Likely benign for Hereditary cancer-predisposing syndrome. Last evaluated: 2016-09-08. Review status: criteria provided, single submitter. Criteria: Ambry Variant Classification Scheme 2023. Collection method: clinical testing. Allele origin: germline.